The following is an entry in ClinVar:

NM_002528.7(NTHL1):c.393C>T (p.Ser131=)

Gene: NTHL1 (nth like DNA glycosylase 1; minus strand). Cytogenetic location: 16p13.3.
Variant type: single nucleotide variant.
Coding change: c.393C>T on transcript NM_002528.7 (MANE Select); coding-DNA position 393, C replaced by T.
Protein change: p.Ser131=; no amino-acid change (serine 131 retained).
Molecular consequence: synonymous variant. On other transcripts: intron variant (1).
Genome position (GRCh38, 1-based): chr16:2,044,762, G>A on the plus strand (C>T on the coding strand, the complement: NTHL1 is on the minus strand). VCF-style: chr16-2044762-G-A. GRCh37 (hg19) VCF-style: chr16-2094763-G-A.
Other names: c.63C>T, p.Ser21= (NM_001318194.2); c.355-1036C>T (NM_001318193.2).
Identifiers: ClinVar variation 1738476 (VCV001738476.5), dbSNP rs11543268, ClinGen allele CA276764644.
Genomic context (GRCh38, chr16:2,044,762, plus strand): 5'-CAGGCCCCGCGCCCGCAGTCGCTGCATGGCGCCCGCCGTCACCTGGTCTTTGGTTTGGCT[G>A]GAGAGCATCAGTGACAGCAGCACCTGGTACCTGCGTACCTGCTTGTGCAGTGACAGGGAC-3'
Protein context (NP_002519.2, residues 121-141): RYQVLLSLML[Ser131=]SQTKDQVTAG

ClinVar aggregate classification (germline): Conflicting classifications of pathogenicity. Review status: criteria provided, conflicting classifications (1 of 4 stars). 2 submissions from 2 submitters: Uncertain significance (1); Likely benign (1). Last evaluated 2023-01-23.

Conditions:
Hereditary cancer-predisposing syndrome. Also called: Hereditary Cancer Syndrome; Hereditary neoplastic syndrome; Neoplastic Syndromes, Hereditary; Tumor predisposition. Identifiers: Orphanet 140162, MedGen C0027672, MeSH D009386, MONDO:0015356.

Submissions (2):

Labcorp Genetics (formerly Invitae), Labcorp
Classification: Uncertain significance. Last evaluated: 2023-01-23. Review status: criteria provided, single submitter. Criteria: Invitae Variant Classification Sherloc (09022015). Collection method: clinical testing. Allele origin: germline.
Comment: In summary, the available evidence is currently insufficient to determine the role of this variant in disease. Therefore, it has been classified as a Variant of Uncertain Significance. Algorithms developed to predict the effect of sequence changes on RNA splicing suggest that this variant may create or strengthen a splice site. ClinVar contains an entry for this variant (Variation ID: 1738476). This variant has not been reported in the literature in individuals affected with NTHL1-related conditions. This variant is not present in population databases (gnomAD no frequency). This sequence change affects codon 139 of the NTHL1 mRNA. It is a 'silent' change, meaning that it does not change the encoded amino acid sequence of the NTHL1 protein.

Ambry Genetics
Classification: Likely benign for Hereditary cancer-predisposing syndrome. Last evaluated: 2021-07-23. Review status: criteria provided, single submitter. Criteria: Ambry Variant Classification Scheme 2023. Collection method: clinical testing. Allele origin: germline.